The following is an entry in ClinVar:

ClinVar aggregate classification (germline): Pathogenic (1 of 4 stars; one submission).

Submission:

GeneDx
Classification: Pathogenic. Last evaluated: 2019-01-07. Review status: criteria provided, single submitter. Criteria: GeneDx Variant Classification Process June 2021. Collection method: clinical testing. Allele origin: germline. Affected: yes.
Comment: Based on the understanding of this genetic alteration, it may be amenable to nonsense read-through therapy that is currently available or in clinical trial; This variant is associated with the following publications: (PMID: 19206170, 29973226)

NM_004006.3(DMD):c.11G>A (p.Trp4Ter)

Gene: DMD (dystrophin; minus strand). Cytogenetic location: Xp21.1.
Variant type: single nucleotide variant.
Coding change: c.11G>A on transcript NM_004006.3 (MANE Select); coding-DNA position 11, G replaced by A.
Protein change: p.Trp4Ter; replaces tryptophan 4 with a stop codon.
Molecular consequence: nonsense. On other transcripts: intron variant (1).
Genome position (GRCh38, 1-based): chrX:33,211,302, C>T on the plus strand (G>A on the coding strand, the complement: DMD is on the minus strand). VCF-style: chrX-33211302-C-T. GRCh37 (hg19) VCF-style: chrX-33229419-C-T.
Other names: c.7+127957G>A (NM_000109.4); short protein forms W4*.
Identifiers: ClinVar variation 1322557 (VCV001322557.3), dbSNP rs1384868120, ClinGen allele CA412675150.